The following is an entry in ClinVar:

NC_000009.12:g.35657898T>A

Gene: RMRP (RNA component of mitochondrial RNA processing endoribonuclease; minus strand). Cytogenetic location: 9p13.3.
Variant type: single nucleotide variant.
Genome position: GRCh38 VCF-style: chr9-35657898-T-A. GRCh37 (hg19) VCF-style: chr9-35657895-T-A.
Identifiers: ClinVar variation 2141911 (VCV002141911.1), dbSNP rs557578605, ClinGen allele CA192745620.

ClinVar aggregate classification (germline): Uncertain significance (1 of 4 stars; one submission).

Conditions:
Anauxetic dysplasia. Identifiers: Orphanet 93347, MedGen C1846796, MONDO:0011773.

Allele frequency attached by ClinVar (database versions not stated): 1000 Genomes Project 30x 0.00016; 1000 Genomes Project 0.00020.
gnomAD v4.1: 5 of 697,738 alleles (0.00072%); highest among the groups gnomAD compares: South Asian, 0.003%; no homozygotes.

Submission:

Labcorp Genetics (formerly Invitae), Labcorp
Classification: Uncertain significance for Anauxetic dysplasia. Last evaluated: 2022-07-05. Review status: criteria provided, single submitter. Criteria: Invitae Variant Classification Sherloc (09022015). Collection method: clinical testing. Allele origin: germline.
Comment: This variant occurs in the RMRP gene, which encodes an RNA molecule that does not result in a protein product. This variant is not present in population databases (gnomAD no frequency). This variant has not been reported in the literature in individuals affected with RMRP-related conditions. Experimental studies and prediction algorithms are not available or were not evaluated, and the functional significance of this variant is currently unknown. In summary, the available evidence is currently insufficient to determine the role of this variant in disease. Therefore, it has been classified as a Variant of Uncertain Significance.